The following is an entry in ClinVar:

NM_144508.5(KNL1):c.2014A>C (p.Ile672Leu)

Gene: KNL1 (kinetochore scaffold 1; plus strand). Cytogenetic location: 15q15.1.
Variant type: single nucleotide variant.
Coding change: c.2014A>C on transcript NM_144508.5 (MANE Select); coding-DNA position 2014, A replaced by C.
Protein change: p.Ile672Leu; replaces isoleucine 672 with leucine.
Molecular consequence: missense variant.
Genome position (GRCh38, 1-based): chr15:40,622,278, A>C. VCF-style: chr15-40622278-A-C. GRCh37 (hg19) VCF-style: chr15-40914476-A-C.
Other names: c.2092A>C, p.Ile698Leu (NM_170589.5); short protein forms I698L, I672L.
Identifiers: ClinVar variation 128578 (VCV000128578.14), dbSNP rs73394756, ClinGen allele CA152148.

ClinVar aggregate classification (germline): Benign/Likely benign. Review status: criteria provided, multiple submitters, no conflicts (2 of 4 stars). 6 submissions from 6 submitters: Benign (2); Likely benign (1). 3 of the submissions do not count toward it. Last evaluated 2024-08-21.

Allele frequency attached by ClinVar (database versions not stated): gnomAD 0.00475 and 0.00510; 1000 Genomes Project 0.00479; TOPMed 0.00493; 1000 Genomes Project 30x 0.00500; ESP Exome Variant Server 0.00535.
gnomAD v4.1: 1,331 of 1,614,036 alleles (0.082%); highest among the groups gnomAD compares: African/African-American, 1.6%; 10 homozygotes.

Submissions (6):

Blueprint Genetics
Classification: Likely benign. Last evaluated: 2024-08-21. Review status: criteria provided, single submitter. Criteria: ACMG Guidelines, 2015. Collection method: clinical testing. Allele origin: germline.

GeneDx
Classification: Benign. Last evaluated: 2020-10-22. Review status: criteria provided, single submitter. Criteria: GeneDx Variant Classification Process June 2021. Collection method: clinical testing. Allele origin: germline. Affected: yes.

Labcorp Genetics (formerly Invitae), Labcorp
Classification: Benign. Last evaluated: 2018-06-18. Review status: criteria provided, single submitter. Criteria: Invitae Variant Classification Sherloc (09022015). Collection method: clinical testing. Allele origin: germline.

Clinical Genetics DNA and cytogenetics Diagnostics Lab, Erasmus MC, Erasmus Medical Center
Classification: Benign. Review status: no assertion criteria provided. Collection method: clinical testing. Allele origin: germline. Affected: yes. Study: VKGL Data-share Consensus. Not counted in ClinVar's aggregate classification.

Genetic Services Laboratory, University of Chicago
Classification: Likely benign for AllHighlyPenetrant. Review status: no assertion criteria provided. Collection method: clinical testing. Allele origin: germline. Inheritance: Autosomal recessive inheritance. Not counted in ClinVar's aggregate classification.
Comment: Likely benign based on allele frequency in 1000 Genomes Project or ESP global frequency and its presence in a patient with a rare or unrelated disease phenotype. NOT Sanger confirmed.

Laboratory of Diagnostic Genome Analysis, Leiden University Medical Center (LUMC)
Classification: Likely benign. Review status: no assertion criteria provided. Collection method: clinical testing. Allele origin: germline. Affected: yes. Study: VKGL Data-share Consensus. Not counted in ClinVar's aggregate classification.